The following is an entry in ClinVar:

NM_000179.3(MSH6):c.62A>G (p.Asn21Ser)

Gene: MSH6 (mutS homolog 6; plus strand). Cytogenetic location: 2p16.3.
Variant type: single nucleotide variant.
Coding change: c.62A>G on transcript NM_000179.3 (MANE Select); coding-DNA position 62, A replaced by G.
Protein change: p.Asn21Ser; replaces asparagine 21 with serine.
Molecular consequence: missense variant. On other transcripts: 5 prime UTR variant (1).
Genome position (GRCh38, 1-based): chr2:47,783,295, A>G. VCF-style: chr2-47783295-A-G. GRCh37 (hg19) VCF-style: chr2-48010434-A-G.
Other names: c.62A>G, p.Asn21Ser (NM_001281492.2); c.-675A>G (NM_001281493.2); short protein forms N21S.
Identifiers: ClinVar variation 89545 (VCV000089545.16), dbSNP rs267608025, ClinGen allele CA016053.
Genomic context (GRCh38, chr2:47,783,295, plus strand): 5'-TGTCGCGACAGAGCACCCTGTACAGCTTCTTCCCCAAGTCTCCGGCGCTGAGTGATGCCA[A>G]CAAGGCCTCGGCCAGGGCCTCACGCGAAGGCGGCCGTGCCGCCGCTGCCCCCGGGGCCTC-3'
Protein context (NP_000170.1, residues 11-31): FPKSPALSDA[Asn21Ser]KASARASREG

ClinVar aggregate classification (germline): Conflicting classifications of pathogenicity. Review status: criteria provided, conflicting classifications (1 of 4 stars). 4 submissions from 4 submitters: Uncertain significance (3); Likely benign (1). Last evaluated 2026-01-10.

Conditions:
Mismatch repair cancer syndrome 3. Identifiers: MedGen C5436807, MONDO:0030841, OMIM 619097.
Hereditary nonpolyposis colorectal neoplasms. Identifiers: MedGen C0009405, MeSH D003123.
Hereditary cancer-predisposing syndrome. Also called: Tumor predisposition; Hereditary Cancer Syndrome; Hereditary neoplastic syndrome; Neoplastic Syndromes, Hereditary. Identifiers: Orphanet 140162, MedGen C0027672, MeSH D009386, MONDO:0015356.

Allele frequency attached by ClinVar (database versions not stated): gnomAD exomes below 0.00001; TOPMed below 0.00001.

Submissions (4):

Labcorp Genetics (formerly Invitae), Labcorp
Classification: Uncertain significance for Hereditary nonpolyposis colorectal neoplasms. Last evaluated: 2026-01-10. Review status: criteria provided, single submitter. Criteria: Invitae Variant Classification Sherloc (09022015). Collection method: clinical testing. Allele origin: germline.
Comment: This sequence change replaces asparagine, which is neutral and polar, with serine, which is neutral and polar, at codon 21 of the MSH6 protein (p.Asn21Ser). This variant is not present in population databases (gnomAD no frequency). This missense change has been observed in individual(s) with clinical features of Lynch syndrome and pancreatic cancer (PMID: 18566915, 22495361, 25479140). ClinVar contains an entry for this variant (Variation ID: 89545). Invitae Evidence Modeling of protein sequence and biophysical properties (such as structural, functional, and spatial information, amino acid conservation, physicochemical variation, residue mobility, and thermodynamic stability) indicates that this missense variant is not expected to disrupt MSH6 protein function with a negative predictive value of 95%. In summary, the available evidence is currently insufficient to determine the role of this variant in disease. Therefore, it has been classified as a Variant of Uncertain Significance.

Ambry Genetics
Classification: Likely benign for Hereditary cancer-predisposing syndrome. Last evaluated: 2024-01-16. Review status: criteria provided, single submitter. Criteria: Ambry Variant Classification Scheme 2023. Collection method: clinical testing. Allele origin: germline.

Department of Pathology and Laboratory Medicine, Sinai Health System
Classification: Uncertain significance for Mismatch repair cancer syndrome 3. Last evaluated: 2021-04-16. Review status: criteria provided, single submitter. Criteria: ACMG Guidelines, 2015. Collection method: clinical testing. Allele origin: germline. Affected: yes.

Women's Health and Genetics/Laboratory Corporation of America, LabCorp
Classification: Uncertain significance. Last evaluated: 2016-02-08. Review status: criteria provided, single submitter. Criteria: LabCorp Variant Classification Summary - May 2015. Collection method: clinical testing. Allele origin: germline.
Comment: Variant summary: The c.62A>G variant affects a non-conserved nucleotide, resulting in amino acid change from Asn to Ser. 5/5 in-silico tools predict benign outcome for this variant. This variant is not found in 114394 control chromosomes. This variant has been reported in patients with LS or pancreatic cancer however without strong evidence for pathogenicity (Nilbert_2009, Grant_2015). In addition, one reputable database classified this variant as VUS. Because of the absence of co-segregation evidence and the lack of functional studies, the variant was classified as a variant of uncertain significance (VUS) until additional information becomes available.

Literature cited by the submitters: PubMed 18566915 (cited by 4 submitters); PubMed 22495361 (cited by 4 submitters); PubMed 25479140 (cited by 3 submitters); PubMed 22290698 (cited by Women's Health and Genetics/Laboratory Corporation of America, LabCorp); PubMed 23621914 (cited by Women's Health and Genetics/Laboratory Corporation of America, LabCorp).